The following is an entry in ClinVar:

NM_020778.5(ALPK3):c.1522T>G (p.Cys508Gly)

Genes: ALPK3 (alpha kinase 3; plus strand), LOC111718493 (skeletal muscle cis-regulatory module overlapping ALPK3; plus strand). Cytogenetic location: 15q25.3.
Variant type: single nucleotide variant.
Coding change: c.1522T>G on transcript NM_020778.5 (MANE Select); coding-DNA position 1522, T replaced by G.
Protein change: p.Cys508Gly; replaces cysteine 508 with glycine.
Molecular consequence: missense variant.
Genome position (GRCh38, 1-based): chr15:84,840,801, T>G. VCF-style: chr15-84840801-T-G. GRCh37 (hg19) VCF-style: chr15-85384032-T-G.
Other names: p.Cys710Gly; short protein forms C710G, C508G.
Identifiers: ClinVar variation 389639 (VCV000389639.23), dbSNP rs114207635, ClinGen allele CA7709207.

ClinVar aggregate classification (germline): Benign/Likely benign. Review status: criteria provided, multiple submitters, no conflicts (2 of 4 stars). 11 submissions from 11 submitters: Benign (4); Likely benign (4). 3 of the submissions do not count toward it. Last evaluated 2026-02-03.

Conditions:
ALPK3-related disorder. Also called: ALPK3-related condition.
Cardiomyopathy, familial hypertrophic 27. Identifiers: MedGen C4748014, MONDO:0054838, OMIM 618052.
Cardiovascular phenotype. Identifiers: MedGen CN230736.

Allele frequency attached by ClinVar (database versions not stated): gnomAD 0.00399 and 0.00431; 1000 Genomes Project 0.00459; TOPMed 0.00465; ESP Exome Variant Server 0.00508; 1000 Genomes Project 30x 0.00531.
gnomAD v4.1: 1,784 of 1,614,178 alleles (0.11%); highest among the groups gnomAD compares: African/African-American, 1.4%; 8 homozygotes.

Submissions (11):

Labcorp Genetics (formerly Invitae), Labcorp
Classification: Benign. Last evaluated: 2026-02-03. Review status: criteria provided, single submitter. Criteria: Invitae Variant Classification Sherloc (09022015). Collection method: clinical testing. Allele origin: germline.

Mayo Clinic Laboratories, Mayo Clinic
Classification: Likely benign. Last evaluated: 2025-11-16. Review status: criteria provided, single submitter. Criteria: ACMG Guidelines, 2015. Collection method: clinical testing. Allele origin: germline. Observed: 2 variant alleles.
Comment: BS1, BP4

Molecular Diagnostic Laboratory for Inherited Cardiovascular Disease, Montreal Heart Institute
Classification: Likely benign. Last evaluated: 2025-04-09. Review status: criteria provided, single submitter. Criteria: ACMG Guidelines, 2015. Collection method: clinical testing. Allele origin: germline. Affected: no.

Blueprint Genetics
Classification: Likely benign. Last evaluated: 2024-11-21. Review status: criteria provided, single submitter. Criteria: ACMG Guidelines, 2015. Collection method: clinical testing. Allele origin: germline.

Women's Health and Genetics/Laboratory Corporation of America, LabCorp
Classification: Benign. Last evaluated: 2023-12-04. Review status: criteria provided, single submitter. Criteria: LabCorp Variant Classification Summary - May 2015. Collection method: clinical testing. Allele origin: germline.
Comment: Variant summary: ALPK3 c.1522T>G (p.Cys508Gly) results in a non-conservative amino acid change in the encoded protein sequence. Three of four in-silico tools predict a benign effect of the variant on protein function. The variant allele was found at a frequency of 0.0011 in 1614178 control chromosomes, predominantly at a frequency of 0.014 within the African or African-American subpopulation in the gnomAD database, including 7 homozygotes. The observed variant frequency within African or African-American control individuals in the gnomAD database is approximately 2 fold of the estimated maximal expected allele frequency for a pathogenic variant in ALPK3 causing Cardiomyopathy phenotype (0.0071), strongly suggesting that the variant is a benign polymorphism found primarily in populations of African or African-American origin. To our knowledge, no occurrence of c.1522T>G in individuals affected with Cardiomyopathy and no experimental evidence demonstrating its impact on protein function have been reported. Three submitters have cited clinical-significance assessments for this variant to ClinVar after 2014. All submitters classified the variant as benign. Based on the evidence outlined above, the variant was classified as benign.

ARUP Laboratories, Molecular Genetics and Genomics, ARUP Laboratories
Classification: Likely benign for Cardiomyopathy, familial hypertrophic 27. Last evaluated: 2023-03-28. Review status: criteria provided, single submitter. Criteria: ARUP Molecular Germline Variant Investigation Process 2024. Collection method: clinical testing. Allele origin: germline.

GeneDx
Classification: Benign. Last evaluated: 2021-04-30. Review status: criteria provided, single submitter. Criteria: GeneDx Variant Classification Process June 2021. Collection method: clinical testing. Allele origin: germline. Affected: yes.

Ambry Genetics
Classification: Benign for Cardiovascular phenotype. Last evaluated: 2019-01-07. Review status: criteria provided, single submitter. Criteria: Ambry Variant Classification Scheme 2023. Collection method: clinical testing. Allele origin: germline.

PreventionGenetics, part of Exact Sciences
Classification: Benign for ALPK3-related condition. Last evaluated: 2019-12-12. Review status: no assertion criteria provided. Collection method: clinical testing. Allele origin: germline. Not counted in ClinVar's aggregate classification.
Comment: This variant is classified as benign based on ACMG/AMP sequence variant interpretation guidelines (Richards et al. 2015 PMID: 25741868, with internal and published modifications).

Clinical Genetics DNA and cytogenetics Diagnostics Lab, Erasmus MC, Erasmus Medical Center
Classification: Benign. Review status: no assertion criteria provided. Collection method: clinical testing. Allele origin: germline. Affected: yes. Study: VKGL Data-share Consensus. Not counted in ClinVar's aggregate classification.

Clinical Genetics, Academic Medical Center
Classification: Benign. Review status: no assertion criteria provided. Collection method: clinical testing. Allele origin: germline. Affected: yes. Study: VKGL Data-share Consensus. Not counted in ClinVar's aggregate classification.